The following is an entry in ClinVar:

ClinVar aggregate classification (germline): Uncertain significance (1 of 4 stars; one submission).

Conditions:
Developmental and epileptic encephalopathy, 27 (DEE27). Also called: Epileptic encephalopathy, early infantile, 27; GRIN2B-Related Neurodevelopmental Disorder. Identifiers: Orphanet 3451, MedGen C4015316, MONDO:0014505, OMIM 616139.
Intellectual developmental disorder, autosomal dominant 6, with or without seizures. Also called: Intellectual disability, autosomal dominant 6; GRIN2B-related developmental delay, intellectual disability and autism spectrum disorder. Identifiers: Orphanet 589547, MedGen C3151411, MONDO:0013509, OMIM 613970.

Submission:

Labcorp Genetics (formerly Invitae), Labcorp
Classification: Uncertain significance for Developmental and epileptic encephalopathy, 27; Intellectual developmental disorder, autosomal dominant 6, with or without seizures. Last evaluated: 2025-09-27. Review status: criteria provided, single submitter. Criteria: Invitae Variant Classification Sherloc (09022015). Collection method: clinical testing. Allele origin: germline.
Comment: This sequence change replaces glycine, which is neutral and non-polar, with aspartic acid, which is acidic and polar, at codon 288 of the GRIN2B protein (p.Gly288Asp). This variant is not present in population databases (gnomAD no frequency). This variant has not been reported in the literature in individuals affected with GRIN2B-related conditions. Invitae Evidence Modeling of protein sequence and biophysical properties (such as structural, functional, and spatial information, amino acid conservation, physicochemical variation, residue mobility, and thermodynamic stability) indicates that this missense variant is not expected to disrupt GRIN2B protein function with a negative predictive value of 95%. In summary, the available evidence is currently insufficient to determine the role of this variant in disease. Therefore, it has been classified as a Variant of Uncertain Significance.

NM_000834.5(GRIN2B):c.863G>A (p.Gly288Asp)

Gene: GRIN2B (glutamate ionotropic receptor NMDA type subunit 2B; minus strand). Cytogenetic location: 12p13.1.
Variant type: single nucleotide variant.
Coding change: c.863G>A on transcript NM_000834.5 (MANE Select); coding-DNA position 863, G replaced by A.
Protein change: p.Gly288Asp; replaces glycine 288 with aspartic acid.
Molecular consequence: missense variant.
Genome position (GRCh38, 1-based): chr12:13,753,464, C>T on the plus strand (G>A on the coding strand, the complement: GRIN2B is on the minus strand). VCF-style: chr12-13753464-C-T. GRCh37 (hg19) VCF-style: chr12-13906398-C-T.
Other names: c.863G>A, p.Gly288Asp (NM_001413992.1, NM_001413993.1, NM_001413994.1 and 1 more transcripts); short protein forms G288D.
Identifiers: ClinVar variation 4783404 (VCV004783404.1).